The following is an entry in ClinVar:

ClinVar aggregate classification (germline): Uncertain significance (1 of 4 stars; one submission).

Submission:

Dasa
Classification: Uncertain significance. Last evaluated: 2026-03-23. Review status: criteria provided, single submitter. Criteria: DASA Assertion Criteria. Collection method: clinical testing. Allele origin: germline.
Comment: NM_002830.4(PTPN4):c.2702A>G (p.Tyr901Cys) is a missense variant that results in the substitution of tyrosine with cysteine. Published studies describe this variant in association with related phenotype (PMID: 34527963). Also, this variant is rare in population databases. Computational prediction algorithms are consistent with a deleterious effect. The currently available literature and clinical evidence are not sufficient to establish a definitive association between this variant and the reported condition. Therefore, this variant is classified as a variant of uncertain significance.

Literature cited by the submitters: PubMed 34527963.

NM_002830.4(PTPN4):c.2702A>G (p.Tyr901Cys)

Gene: PTPN4 (protein tyrosine phosphatase non-receptor type 4; plus strand). Cytogenetic location: 2q14.2.
Variant type: single nucleotide variant.
Coding change: c.2702A>G on transcript NM_002830.4 (MANE Select); coding-DNA position 2702, A replaced by G.
Protein change: p.Tyr901Cys; replaces tyrosine 901 with cysteine.
Molecular consequence: missense variant.
Genome position (GRCh38, 1-based): chr2:119,976,991, A>G. VCF-style: chr2-119976991-A-G. GRCh37 (hg19) VCF-style: chr2-120734567-A-G.
Other names: short protein forms Y901C.
Identifiers: ClinVar variation 4885273 (VCV004885273.2).